The following is an entry in ClinVar:

NM_001563.4(IMPG1):c.66A>G (p.Lys22=)

Gene: IMPG1 (interphotoreceptor matrix proteoglycan 1; minus strand). Cytogenetic location: 6q14.1.
Variant type: single nucleotide variant.
Coding change: c.66A>G on transcript NM_001563.4 (MANE Select); coding-DNA position 66, A replaced by G.
Protein change: p.Lys22=; no amino-acid change (lysine 22 retained).
Molecular consequence: synonymous variant.
Genome position (GRCh38, 1-based): chr6:76,072,423, T>C on the plus strand (A>G on the coding strand, the complement: IMPG1 is on the minus strand). VCF-style: chr6-76072423-T-C. GRCh37 (hg19) VCF-style: chr6-76782140-T-C.
Other names: c.66A>G, p.Lys22= (NM_001282368.2).
Identifiers: ClinVar variation 3622194 (VCV003622194.2).

ClinVar aggregate classification (germline): Uncertain significance (1 of 4 stars; one submission).

gnomAD v4.1: 3 of 1,519,684 alleles (0.0002%); highest among the groups gnomAD compares: Non-Finnish European, 0.00027%; no homozygotes.

Submission:

Labcorp Genetics (formerly Invitae), Labcorp
Classification: Uncertain significance. Last evaluated: 2024-12-31. Review status: criteria provided, single submitter. Criteria: Invitae Variant Classification Sherloc (09022015). Collection method: clinical testing. Allele origin: germline.
Comment: This sequence change affects codon 22 of the IMPG1 mRNA. It is a 'silent' change, meaning that it does not change the encoded amino acid sequence of the IMPG1 protein. It affects a nucleotide within the consensus splice site. The frequency data for this variant in the population databases is considered unreliable, as metrics indicate poor data quality at this position in the gnomAD database. This variant has not been reported in the literature in individuals affected with IMPG1-related conditions. Algorithms developed to predict the effect of sequence changes on RNA splicing suggest that this variant is not likely to affect RNA splicing. In summary, the available evidence is currently insufficient to determine the role of this variant in disease. Therefore, it has been classified as a Variant of Uncertain Significance.